The following is an entry in ClinVar:

NM_000138.5(FBN1):c.8051_8051+1delinsT

Gene: FBN1 (fibrillin 1; minus strand). Cytogenetic location: 15q21.1.
Variant type: Indel.
Coding change: c.8051_8051+1delinsT on transcript NM_000138.5 (MANE Select); coding-DNA position 8051 through the canonical splice donor site of the intron after coding-DNA position 8051, GG replaced by T.
Molecular consequence: splice donor variant.
Genome position (GRCh38, 1-based): chr15:48,415,535-48,415,536, CC replaced by A on the plus strand (GG replaced by T on the coding strand, the reverse complement: FBN1 is on the minus strand). VCF-style: chr15-48415535-CC-A. GRCh37 (hg19) VCF-style: chr15-48707732-CC-A.
Other names: c.8051_8051+1delGGinsT (NM_000138.4).
Identifiers: ClinVar variation 519784 (VCV000519784.5), dbSNP rs1555393823, ClinGen allele CA658798346.
Genomic context (GRCh38, chr15:48,415,535, plus strand): 5'-ATACTTAATTATATTACGAATGAAAGAATCTCCAACCATGACCAGGAAGAGCACTGCTTA[CC>A]CTTGGCCTATGCGGAAGTAACCAGGTGGACAGCCACACAGGTAACCGCCCTCGGTATTGG-3'

ClinVar aggregate classification (germline): Pathogenic (1 of 4 stars; one submission).

Conditions:
Familial thoracic aortic aneurysm and aortic dissection (TAAD). Also called: Thoracic aortic aneurysms and dissections. Identifiers: Orphanet 91387, MedGen C4707243, MONDO:0019625.

Submission:

Ambry Genetics
Classification: Pathogenic for Familial thoracic aortic aneurysm and aortic dissection. Last evaluated: 2017-07-10. Review status: criteria provided, single submitter. Criteria: Ambry Variant Classification Scheme 2023. Collection method: clinical testing. Allele origin: germline.
Comment: The c.8051_8051+1delGGinsT pathogenic mutation results from the deletion of GG and insertion of T spanning the last nucleotide of coding exon 63 to the first nucleotide after coding exon 63 of the FBN1 gene. Alterations that disrupt the canonical splice site are expected to cause aberrant splicing, resulting in an abnormal protein or a transcript that is subject to nonsense-mediated mRNA decay. As such, this alteration is classified as a disease-causing mutation.